The following is an entry in ClinVar:

ClinVar aggregate classification (germline): Uncertain significance (1 of 4 stars; one submission).

Conditions:
Charcot-Marie-Tooth disease axonal type 2F (CMT2F). Also called: CHARCOT-MARIE-TOOTH DISEASE, NEURONAL, TYPE 2F; Charcot-Marie-Tooth Neuropathy Type 2F. Identifiers: Orphanet 99940, MedGen C1847823, MONDO:0011687, OMIM 606595.

Allele frequency attached by ClinVar (database versions not stated): TOPMed 0.00002; gnomAD 0.00001.

Submission:

Labcorp Genetics (formerly Invitae), Labcorp
Classification: Uncertain significance for Charcot-Marie-Tooth disease axonal type 2F. Last evaluated: 2020-10-27. Review status: criteria provided, single submitter. Criteria: Invitae Variant Classification Sherloc (09022015). Collection method: clinical testing. Allele origin: germline.
Comment: This sequence change replaces glutamic acid with valine at codon 119 of the HSPB1 protein (p.Glu119Val). The glutamic acid residue is highly conserved and there is a moderate physicochemical difference between glutamic acid and valine. In summary, the available evidence is currently insufficient to determine the role of this variant in disease. Therefore, it has been classified as a Variant of Uncertain Significance. Advanced modeling of protein sequence and biophysical properties (such as structural, functional, and spatial information, amino acid conservation, physicochemical variation, residue mobility, and thermodynamic stability) performed at Invitae indicates that this missense variant is expected to disrupt HSPB1 protein function. This variant has not been reported in the literature in individuals with HSPB1-related conditions. The frequency data for this variant in the population databases is considered unreliable, as metrics indicate insufficient coverage at this position in the ExAC database.

NM_001540.5(HSPB1):c.356A>T (p.Glu119Val)

Gene: HSPB1 (heat shock protein family B (small) member 1; plus strand). Cytogenetic location: 7q11.23.
Variant type: single nucleotide variant.
Coding change: c.356A>T on transcript NM_001540.5 (MANE Select); coding-DNA position 356, A replaced by T.
Protein change: p.Glu119Val; replaces glutamic acid 119 with valine.
Molecular consequence: missense variant.
Genome position (GRCh38, 1-based): chr7:76,303,068, A>T. VCF-style: chr7-76303068-A-T. GRCh37 (hg19) VCF-style: chr7-75932385-A-T.
Other names: short protein forms E119V.
Identifiers: ClinVar variation 1040358 (VCV001040358.8), dbSNP rs759984050, ClinGen allele CA160899682.
Genomic context (GRCh38, chr7:76,303,068, plus strand): 5'-TGGATGTCAACCACTTCGCCCCGGACGAGCTGACGGTCAAGACCAAGGATGGCGTGGTGG[A>T]GATCACCGGTGAGCCCCCCTGCTCCTGCAGGGGAGAGGAGGAGGCTAGCAGGGCGGGCAG-3'
Protein context (NP_001531.1, residues 109-129): LTVKTKDGVV[Glu119Val]ITGKHEERQD